The following is an entry in ClinVar:

NM_001394998.1(TANC2):c.2096A>G (p.Gln699Arg)

Gene: TANC2 (tetratricopeptide repeat, ankyrin repeat and coiled-coil containing 2; plus strand). Cytogenetic location: 17q23.3.
Variant type: single nucleotide variant.
Coding change: c.2096A>G on transcript NM_001394998.1 (MANE Select); coding-DNA position 2096, A replaced by G.
Protein change: p.Gln699Arg; replaces glutamine 699 with arginine.
Molecular consequence: missense variant.
Genome position (GRCh38, 1-based): chr17:63,354,904, A>G. VCF-style: chr17-63354904-A-G. GRCh37 (hg19) VCF-style: chr17-61432265-A-G.
Other names: c.1874A>G, p.Gln625Arg (NM_001411076.1, NM_025185.4); short protein forms Q625R, Q699R.
Identifiers: ClinVar variation 2442576 (VCV002442576.2), dbSNP rs2510098843, ClinGen allele CA400523495.

ClinVar aggregate classification (germline): Uncertain significance (1 of 4 stars; one submission).

gnomAD v4.1: 1 of 1,613,892 alleles (0.000062%); highest among the groups gnomAD compares: Non-Finnish European, 0.000085%; no homozygotes.

Submission:

GeneDx
Classification: Uncertain significance. Last evaluated: 2023-03-08. Review status: criteria provided, single submitter. Criteria: GeneDx Variant Classification Process June 2021. Collection method: clinical testing. Allele origin: germline. Affected: yes.
Comment: Not observed at significant frequency in large population cohorts (gnomAD); In silico analysis supports that this missense variant does not alter protein structure/function; Has not been previously published as pathogenic or benign to our knowledge